The following is an entry in ClinVar:

ClinVar aggregate classification (germline): Uncertain significance (1 of 4 stars; one submission).

Conditions:
Inborn genetic diseases. Identifiers: MedGen C0950123, MeSH D030342.

Submission:

Ambry Genetics
Classification: Uncertain significance for Inborn genetic diseases. Last evaluated: 2025-03-26. Review status: criteria provided, single submitter. Criteria: Ambry Variant Classification Scheme 2023. Collection method: clinical testing. Allele origin: germline.
Comment: The p.N164I variant (also known as c.491A>T), located in coding exon 2 of the KDM1A gene, results from an A to T substitution at nucleotide position 491. The asparagine at codon 164 is replaced by isoleucine, an amino acid with dissimilar properties. This amino acid position is conserved. In addition, this alteration is predicted to be tolerated by in silico analysis. Based on the available evidence, the clinical significance of this variant remains unclear.

NM_001009999.3(KDM1A):c.491A>T (p.Asn164Ile)

Gene: KDM1A (lysine demethylase 1A; plus strand). Cytogenetic location: 1p36.12.
Variant type: single nucleotide variant.
Coding change: c.491A>T on transcript NM_001009999.3 (MANE Select); coding-DNA position 491, A replaced by T.
Protein change: p.Asn164Ile; replaces asparagine 164 with isoleucine.
Molecular consequence: missense variant.
Genome position (GRCh38, 1-based): chr1:23,030,608, A>T. VCF-style: chr1-23030608-A-T. GRCh37 (hg19) VCF-style: chr1-23357101-A-T.
Other names: c.491A>T, p.Asn164Ile (NM_001363654.2, NM_001410762.1, NM_001410763.1 and 1 more transcripts); short protein forms N164I.
Identifiers: ClinVar variation 4042060 (VCV004042060.1).